The following is an entry in ClinVar:

ClinVar aggregate classification (germline): Uncertain significance (1 of 4 stars; one submission).

Submission:

GeneDx
Classification: Uncertain significance. Last evaluated: 2024-12-07. Review status: criteria provided, single submitter. Criteria: GeneDx Variant Classification Process June 2021. Collection method: clinical testing. Allele origin: germline. Affected: yes.
Comment: Not observed at significant frequency in large population cohorts (gnomAD); In silico analysis supports that this missense variant has a deleterious effect on protein structure/function; Has not been previously published as pathogenic or benign to our knowledge

NM_001374353.1(GLI2):c.539T>C (p.Met180Thr)

Gene: GLI2 (GLI family zinc finger 2; plus strand). Cytogenetic location: 2q14.2.
Variant type: single nucleotide variant.
Coding change: c.539T>C on transcript NM_001374353.1 (MANE Select); coding-DNA position 539, T replaced by C.
Protein change: p.Met180Thr; replaces methionine 180 with threonine.
Molecular consequence: missense variant.
Genome position (GRCh38, 1-based): chr2:120,955,326, T>C. VCF-style: chr2-120955326-T-C. GRCh37 (hg19) VCF-style: chr2-121712902-T-C.
Other names: c.539T>C, p.Met180Thr (NM_001371271.1, NM_005270.5); c.164T>C, p.Met55Thr (NM_001374354.1); short protein forms M180T, M55T.
Identifiers: ClinVar variation 3903353 (VCV003903353.1).